The following is an entry in ClinVar:

NM_001308093.3(GATA4):c.142G>A (p.Val48Met)

Gene: GATA4 (GATA binding protein 4). Cytogenetic location: 8p23.1.
Variant type: single nucleotide variant.
Coding change: c.142G>A on transcript NM_001308093.3 (MANE Select); coding-DNA position 142, G replaced by A.
Protein change: p.Val48Met; replaces valine 48 with methionine.
Molecular consequence: missense variant. On other transcripts: intron variant (3).
Genome position (GRCh38, 1-based): chr8:11,708,454, G>A. VCF-style: chr8-11708454-G-A. GRCh37 (hg19) VCF-style: chr8-11565963-G-A.
Other names: c.142G>A, p.Val48Met (NM_002052.5); c.-6+7676G>A (NM_001308094.2); c.-3+440G>A (NM_001374274.1); c.-3+4150G>A (NM_001374273.1); short protein forms V48M.
Identifiers: ClinVar variation 975396 (VCV000975396.3), dbSNP rs773581495, ClinGen allele CA370308983.

ClinVar aggregate classification (germline): Uncertain significance. Review status: criteria provided, single submitter (1 of 4 stars). 2 submissions from 2 submitters: Uncertain significance (1). 1 of the submissions does not count toward it. Last evaluated 2025-06-30.

Conditions:
Atrioventricular septal defect 4 (AVSD4). Identifiers: MedGen C3280781, MONDO:0013747, OMIM 614430.
Intellectual disability. Also called: intellectual disabilities; Intellectual developmental disorder; Intellectual functioning disability. Identifiers: MedGen C3714756, MeSH D008607, MONDO:0001071, HP:0001249.

gnomAD v4.1: 15 of 1,532,004 alleles (0.00098%); highest among the groups gnomAD compares: Non-Finnish European, 0.0013%; no homozygotes.

Submissions (2):

Labcorp Genetics (formerly Invitae), Labcorp
Classification: Uncertain significance for Atrioventricular septal defect 4. Last evaluated: 2025-06-30. Review status: criteria provided, single submitter. Criteria: Invitae Variant Classification Sherloc (09022015). Collection method: clinical testing. Allele origin: germline.
Comment: This sequence change replaces valine, which is neutral and non-polar, with methionine, which is neutral and non-polar, at codon 48 of the GATA4 protein (p.Val48Met). The frequency data for this variant in the population databases is considered unreliable, as metrics indicate poor data quality at this position in the gnomAD database. This missense change has been observed in individual(s) with clinical features of Brugada syndrome (PMID: 33974263). ClinVar contains an entry for this variant (Variation ID: 975396). Invitae Evidence Modeling of protein sequence and biophysical properties (such as structural, functional, and spatial information, amino acid conservation, physicochemical variation, residue mobility, and thermodynamic stability) indicates that this missense variant is not expected to disrupt GATA4 protein function with a negative predictive value of 95%. In summary, the available evidence is currently insufficient to determine the role of this variant in disease. Therefore, it has been classified as a Variant of Uncertain Significance.

Centre de Biologie Pathologie Génétique, Centre Hospitalier Universitaire de Lille
Classification: Likely benign for Intellectual disability. Last evaluated: 2019-01-01. Review status: no assertion criteria provided. Collection method: clinical testing. Allele origin: inherited. Affected: yes. Not counted in ClinVar's aggregate classification.

Literature cited by the submitters: PubMed 33974263 (cited by Labcorp Genetics (formerly Invitae), Labcorp).